The following is an entry in ClinVar:

ClinVar aggregate classification (germline): Uncertain significance (1 of 4 stars; one submission).

Submission:

Ambry Genetics
Classification: Uncertain significance. Last evaluated: 2023-03-17. Review status: criteria provided, single submitter. Criteria: Ambry Variant Classification Scheme 2023. Collection method: clinical testing. Allele origin: germline.
Comment: The p.Q244H variant (also known as c.732G>C), located in coding exon 6 of the RECQL gene, results from a G to C substitution at nucleotide position 732. The glutamine at codon 244 is replaced by histidine, an amino acid with highly similar properties. This amino acid position is highly conserved in available vertebrate species. In addition, the in silico prediction for this alteration is inconclusive. The evidence for this gene-disease relationship is limited; therefore, the clinical significance of this alteration is unclear.

NM_002907.4(RECQL):c.732G>C (p.Gln244His)

Gene: RECQL (RecQ like helicase; minus strand). Cytogenetic location: 12p12.1.
Variant type: single nucleotide variant.
Coding change: c.732G>C on transcript NM_002907.4 (MANE Select); coding-DNA position 732, G replaced by C.
Protein change: p.Gln244His; replaces glutamine 244 with histidine.
Molecular consequence: missense variant.
Genome position (GRCh38, 1-based): chr12:21,477,938, C>G on the plus strand (G>C on the coding strand, the complement: RECQL is on the minus strand). VCF-style: chr12-21477938-C-G. GRCh37 (hg19) VCF-style: chr12-21630872-C-G.
Other names: c.732G>C, p.Gln244His (NM_032941.3); short protein forms Q244H.
Identifiers: ClinVar variation 1758371 (VCV001758371.3), dbSNP rs758401375, ClinGen allele CA384124958.